The following is an entry in ClinVar:

ClinVar aggregate classification (germline): Uncertain significance (1 of 4 stars; one submission).

Allele frequency attached by ClinVar (database versions not stated): ExAC 0.00001.
gnomAD v4.1: 3 of 1,612,088 alleles (0.00019%); highest among the groups gnomAD compares: South Asian, 0.0022%; no homozygotes.

Submission:

Labcorp Genetics (formerly Invitae), Labcorp
Classification: Uncertain significance. Last evaluated: 2022-01-31. Review status: criteria provided, single submitter. Criteria: Invitae Variant Classification Sherloc (09022015). Collection method: clinical testing. Allele origin: germline.
Comment: In summary, the available evidence is currently insufficient to determine the role of this variant in disease. Therefore, it has been classified as a Variant of Uncertain Significance. Algorithms developed to predict the effect of missense changes on protein structure and function are either unavailable or do not agree on the potential impact of this missense change (SIFT: "Deleterious"; PolyPhen-2: "Benign"; Align-GVGD: "Class C0"). This variant has not been reported in the literature in individuals affected with GATA3-related conditions. The frequency data for this variant in the population databases is considered unreliable, as metrics indicate poor data quality at this position in the gnomAD database. This sequence change replaces serine, which is neutral and polar, with leucine, which is neutral and non-polar, at codon 175 of the GATA3 protein (p.Ser175Leu).

NM_001002295.2(GATA3):c.524C>T (p.Ser175Leu)

Gene: GATA3 (GATA binding protein 3; plus strand). Cytogenetic location: 10p14.
Variant type: single nucleotide variant.
Coding change: c.524C>T on transcript NM_001002295.2 (MANE Select); coding-DNA position 524, C replaced by T.
Protein change: p.Ser175Leu; replaces serine 175 with leucine.
Molecular consequence: missense variant.
Genome position (GRCh38, 1-based): chr10:8,058,587, C>T. VCF-style: chr10-8058587-C-T. GRCh37 (hg19) VCF-style: chr10-8100550-C-T.
Other names: c.524C>T, p.Ser175Leu (NM_002051.3); short protein forms S175L.
Identifiers: ClinVar variation 1922962 (VCV001922962.5), dbSNP rs34363744, ClinGen allele CA5404389.